The following is an entry in ClinVar:

NM_005228.5(EGFR):c.3224_3225delinsAA (p.Gly1075Glu)

Gene: EGFR (epidermal growth factor receptor; plus strand). Cytogenetic location: 7p11.2.
Variant type: Indel.
Coding change: c.3224_3225delinsAA on transcript NM_005228.5 (MANE Select); coding-DNA positions 3224 to 3225, GC replaced by AA.
Protein change: p.Gly1075Glu; replaces glycine 1075 with glutamic acid.
Molecular consequence: missense variant.
Genome position (GRCh38, 1-based): chr7:55,202,578-55,202,579, GC replaced by AA. VCF-style: chr7-55202578-GC-AA. GRCh37 (hg19) VCF-style: chr7-55270271-GC-AA.
Other names: c.3089_3090delinsAA, p.Gly1030Glu (NM_001346897.2, NM_001346899.2); c.3224_3225delinsAA, p.Gly1075Glu (NM_001346898.2); c.3065_3066delinsAA, p.Gly1022Glu (NM_001346900.2); c.2423_2424delinsAA, p.Gly808Glu (NM_001346941.2); short protein forms G1022E, G1030E, G808E, G1075E.
Identifiers: ClinVar variation 3715877 (VCV003715877.2).

ClinVar aggregate classification (germline): Uncertain significance (1 of 4 stars; one submission).

Conditions:
EGFR-related lung cancer (EGFR). Identifiers: MedGen CN130014.

Submission:

Labcorp Genetics (formerly Invitae), Labcorp
Classification: Uncertain significance for EGFR-related lung cancer. Last evaluated: 2024-09-18. Review status: criteria provided, single submitter. Criteria: Invitae Variant Classification Sherloc (09022015). Collection method: clinical testing. Allele origin: germline.
Comment: This sequence change replaces glycine, which is neutral and non-polar, with glutamic acid, which is acidic and polar, at codon 1075 of the EGFR protein (p.Gly1075Glu). Information on the frequency of this variant in the gnomAD database is not available, as this variant may be reported differently in the database. This variant has not been reported in the literature in individuals affected with EGFR-related conditions. An algorithm developed to predict the effect of missense changes on protein structure and function (PolyPhen-2) suggests that this variant is likely to be tolerated. In summary, the available evidence is currently insufficient to determine the role of this variant in disease. Therefore, it has been classified as a Variant of Uncertain Significance.